The following is an entry in ClinVar:

NM_024529.5(CDC73):c.*2427T>C

Gene: CDC73 (cell division cycle 73; plus strand). Cytogenetic location: 1q31.2.
Variant type: single nucleotide variant.
Coding change: c.*2427T>C on transcript NM_024529.5 (MANE Select); 2427 bases downstream of the stop codon, T replaced by C.
Molecular consequence: 3 prime UTR variant.
Genome position (GRCh38, 1-based): chr1:193,253,139, T>C. VCF-style: chr1-193253139-T-C. GRCh37 (hg19) VCF-style: chr1-193222269-T-C.
Identifiers: ClinVar variation 294449 (VCV000294449.5), dbSNP rs372585994, ClinGen allele CA10608645.

ClinVar aggregate classification (germline): Benign/Likely benign. Review status: criteria provided, single submitter (1 of 4 stars). 3 submissions from 1 submitter: Benign (2); Likely benign (1). Last evaluated 2018-01-13.

Conditions:
Parathyroid carcinoma (PRTC). Also called: Parathyroid gland carcinoma; CDC73-Related Parathyroid Carcinoma. Identifiers: Orphanet 143, MedGen C0687150, MONDO:0012004, OMIM 608266, HP:0006780.
Hyperparathyroidism 1 (HRPT1). Also called: HYPERPARATHYROIDISM, FAMILIAL ISOLATED PRIMARY. Identifiers: Orphanet 99879, MedGen C1840402, MONDO:0007767, OMIM 145000.
Hyperparathyroidism 2 with jaw tumors. Also called: Hyperparathyroidism 2; HYPERPARATHYROIDISM, FAMILIAL PRIMARY, WITH MULTIPLE OSSIFYING JAW FIBROMAS; HYPERPARATHYROIDISM-JAW TUMOR SYNDROME, HEREDITARY; Hyperparathyroidism-Jaw Tumor Syndrome. Identifiers: Orphanet 99880, MedGen C1704981, MONDO:0007768, OMIM 145001.

Allele frequency attached by ClinVar (database versions not stated): gnomAD exomes 0.00007; gnomAD 0.00013 and 0.00023; TOPMed 0.00020; 1000 Genomes Project 30x 0.00187; 1000 Genomes Project 0.00220.
gnomAD v4.1: 45 of 232,444 alleles (0.019%); highest among the groups gnomAD compares: South Asian, 0.2%; no homozygotes.

Submissions (3):

Illumina Laboratory Services, Illumina
Classification: Benign for Hyperparathyroidism 2 with jaw tumors. Last evaluated: 2018-01-13. Review status: criteria provided, single submitter. Criteria: ICSL Variant Classification Criteria 13 December 2019. Collection method: clinical testing. Allele origin: germline.
Comment: This variant was observed in the ICSL laboratory as part of a predisposition screen in an ostensibly healthy population. It had not been previously curated by ICSL or reported in the Human Gene Mutation Database (HGMD: prior to June 1st, 2018), and was therefore a candidate for classification through an automated scoring system. Utilizing variant allele frequency, disease prevalence and penetrance estimates, and inheritance mode, an automated score was calculated to assess if this variant is too frequent to cause the disease. Based on the score and internal cut-off values, a variant classified as benign is not then subjected to further curation. The score for this variant resulted in a classification of benign for this disease.

Illumina Laboratory Services, Illumina
Classification: Benign for Parathyroid carcinoma. Last evaluated: 2018-01-13. Review status: criteria provided, single submitter. Criteria: ICSL Variant Classification Criteria 13 December 2019. Collection method: clinical testing. Allele origin: germline.
Comment: the same text as in the submission from Illumina Laboratory Services, Illumina above.

Illumina Laboratory Services, Illumina
Classification: Likely benign for Hyperparathyroidism 1. Last evaluated: 2018-01-13. Review status: criteria provided, single submitter. Criteria: ICSL Variant Classification Criteria 13 December 2019. Collection method: clinical testing. Allele origin: germline.
Comment: This variant was observed in the ICSL laboratory as part of a predisposition screen in an ostensibly healthy population. It had not been previously curated by ICSL or reported in the Human Gene Mutation Database (HGMD: prior to June 1st, 2018), and was therefore a candidate for classification through an automated scoring system. Utilizing variant allele frequency, disease prevalence and penetrance estimates, and inheritance mode, an automated score was calculated to assess if this variant is too frequent to cause the disease. Based on the score and internal cut-off values, a variant classified as likely benign is not then subjected to further curation. The score for this variant resulted in a classification of likely benign for this disease.